The following is an entry in ClinVar:

ClinVar aggregate classification (germline): Uncertain significance (1 of 4 stars; one submission).

Submission:

GeneDx
Classification: Uncertain significance. Last evaluated: 2019-05-10. Review status: criteria provided, single submitter. Criteria: GeneDx Variant Classification Process June 2021. Collection method: clinical testing. Allele origin: germline. Affected: yes.
Comment: Not observed in large population cohorts (Lek et al., 2016); In silico analysis, which includes protein predictors and evolutionary conservation, supports a deleterious effect; Has not been previously published as pathogenic or benign to our knowledge

NM_004429.5(EFNB1):c.266G>C (p.Cys89Ser)

Gene: EFNB1 (ephrin B1; plus strand). Cytogenetic location: Xq13.1.
Variant type: single nucleotide variant.
Coding change: c.266G>C on transcript NM_004429.5 (MANE Select); coding-DNA position 266, G replaced by C.
Protein change: p.Cys89Ser; replaces cysteine 89 with serine.
Molecular consequence: missense variant.
Genome position (GRCh38, 1-based): chrX:68,838,754, G>C. VCF-style: chrX-68838754-G-C. GRCh37 (hg19) VCF-style: chrX-68058597-G-C.
Other names: short protein forms C89S.
Identifiers: ClinVar variation 1305944 (VCV001305944.2), dbSNP rs2147976507, ClinGen allele CA413437548.